The following is an entry in ClinVar:

ClinVar aggregate classification (germline): Uncertain significance. Review status: criteria provided, multiple submitters, no conflicts (2 of 4 stars). 2 submissions from 2 submitters: Uncertain significance (2). Last evaluated 2025-11-23.

Conditions:
Immunodeficiency 27A (IMD27A). Also called: IMMUNODEFICIENCY 27A, MYCOBACTERIOSIS, AUTOSOMAL RECESSIVE; IFNGR1 DEFICIENCY, AUTOSOMAL RECESSIVE. Identifiers: Orphanet 319569, Orphanet 99898, MedGen C4011949, MONDO:0008856, OMIM 209950.
Disseminated atypical mycobacterial infection. Identifiers: MedGen C0694566.

Allele frequency attached by ClinVar (database versions not stated): TOPMed below 0.00001; ExAC 0.00001; gnomAD exomes 0.00001.
gnomAD v4.1: 10 of 1,613,848 alleles (0.00062%); highest among the groups gnomAD compares: Middle Eastern, 0.017%; no homozygotes.

Submissions (2):

Labcorp Genetics (formerly Invitae), Labcorp
Classification: Uncertain significance for Disseminated atypical mycobacterial infection. Last evaluated: 2025-11-23. Review status: criteria provided, single submitter. Criteria: Invitae Variant Classification Sherloc (09022015). Collection method: clinical testing. Allele origin: germline.
Comment: This sequence change replaces aspartic acid, which is acidic and polar, with asparagine, which is neutral and polar, at codon 160 of the IFNGR1 protein (p.Asp160Asn). This variant is present in population databases (rs774732146, gnomAD 0.002%). This variant has not been reported in the literature in individuals affected with IFNGR1-related conditions. ClinVar contains an entry for this variant (Variation ID: 906702). Invitae Evidence Modeling of protein sequence and biophysical properties (such as structural, functional, and spatial information, amino acid conservation, physicochemical variation, residue mobility, and thermodynamic stability) indicates that this missense variant is not expected to disrupt IFNGR1 protein function with a negative predictive value of 80%. In summary, the available evidence is currently insufficient to determine the role of this variant in disease. Therefore, it has been classified as a Variant of Uncertain Significance.

Illumina Laboratory Services, Illumina
Classification: Uncertain significance for Immunodeficiency 27A. Last evaluated: 2018-01-15. Review status: criteria provided, single submitter. Criteria: ICSL Variant Classification Criteria 13 December 2019. Collection method: clinical testing. Allele origin: germline.

NM_000416.3(IFNGR1):c.478G>A (p.Asp160Asn)

Gene: IFNGR1 (interferon gamma receptor 1; minus strand). Cytogenetic location: 6q23.3.
Variant type: single nucleotide variant.
Coding change: c.478G>A on transcript NM_000416.3 (MANE Select); coding-DNA position 478, G replaced by A.
Protein change: p.Asp160Asn; replaces aspartic acid 160 with asparagine.
Molecular consequence: missense variant.
Genome position (GRCh38, 1-based): chr6:137,204,400, C>T on the plus strand (G>A on the coding strand, the complement: IFNGR1 is on the minus strand). VCF-style: chr6-137204400-C-T. GRCh37 (hg19) VCF-style: chr6-137525537-C-T.
Other names: c.448G>A, p.Asp150Asn (NM_001363526.1); c.355G>A, p.Asp119Asn (NM_001363527.1); short protein forms D119N, D160N, D150N.
Identifiers: ClinVar variation 906702 (VCV000906702.8), dbSNP rs774732146, ClinGen allele CA4018964.